The following is an entry in ClinVar:

NM_001369.3(DNAH5):c.2488G>A (p.Ala830Thr)

Genes: DNAH5 (dynein axonemal heavy chain 5; minus strand), DNAH5-AS1 (DNAH5 antisense RNA 1; plus strand). Cytogenetic location: 5p15.2.
Variant type: single nucleotide variant.
Coding change: c.2488G>A on transcript NM_001369.3 (MANE Select); coding-DNA position 2488, G replaced by A.
Protein change: p.Ala830Thr; replaces alanine 830 with threonine.
Molecular consequence: missense variant.
Genome position (GRCh38, 1-based): chr5:13,891,065, C>T on the plus strand (G>A on the coding strand, the complement: DNAH5 is on the minus strand). VCF-style: chr5-13891065-C-T. GRCh37 (hg19) VCF-style: chr5-13891174-C-T.
Other names: short protein forms A830T.
Identifiers: ClinVar variation 573730 (VCV000573730.8), dbSNP rs372432790, ClinGen allele CA3204567.

ClinVar aggregate classification (germline): Uncertain significance. Review status: criteria provided, multiple submitters, no conflicts (2 of 4 stars). 3 submissions from 3 submitters: Uncertain significance (3). Last evaluated 2024-08-08.

Conditions:
Primary ciliary dyskinesia. Also called: Ciliary dyskinesia. Identifiers: Orphanet 244, MedGen C0008780, MONDO:0016575, HP:0012265.

Allele frequency attached by ClinVar (database versions not stated): gnomAD exomes below 0.00001 and 0.00001; ExAC 0.00001; gnomAD 0.00001; TOPMed 0.00001; ESP Exome Variant Server 0.00008.
gnomAD v4.1: 8 of 1,613,956 alleles (0.0005%); highest among the groups gnomAD compares: Non-Finnish European, 0.00068%; no homozygotes.

Submissions (3):

Ambry Genetics
Classification: Uncertain significance for Primary ciliary dyskinesia. Last evaluated: 2024-08-08. Review status: criteria provided, single submitter. Criteria: Ambry Variant Classification Scheme 2023. Collection method: clinical testing. Allele origin: germline.

Labcorp Genetics (formerly Invitae), Labcorp
Classification: Uncertain significance for Primary ciliary dyskinesia. Last evaluated: 2022-07-18. Review status: criteria provided, single submitter. Criteria: Invitae Variant Classification Sherloc (09022015). Collection method: clinical testing. Allele origin: germline.
Comment: This sequence change replaces alanine, which is neutral and non-polar, with threonine, which is neutral and polar, at codon 830 of the DNAH5 protein (p.Ala830Thr). This variant is present in population databases (rs372432790, gnomAD 0.002%). This variant has not been reported in the literature in individuals affected with DNAH5-related conditions. ClinVar contains an entry for this variant (Variation ID: 573730). Advanced modeling of protein sequence and biophysical properties (such as structural, functional, and spatial information, amino acid conservation, physicochemical variation, residue mobility, and thermodynamic stability) performed at Invitae indicates that this missense variant is not expected to disrupt DNAH5 protein function. In summary, the available evidence is currently insufficient to determine the role of this variant in disease. Therefore, it has been classified as a Variant of Uncertain Significance.

Blueprint Genetics
Classification: Uncertain significance. Last evaluated: 2020-11-17. Review status: criteria provided, single submitter. Criteria: ACMG Guidelines, 2015. Collection method: clinical testing. Allele origin: germline.